The following is an entry in ClinVar:

ClinVar aggregate classification (germline): Likely benign. Review status: criteria provided, multiple submitters, no conflicts (2 of 4 stars). 2 submissions from 2 submitters: Likely benign (2). Last evaluated 2025-12-11.

Submissions (2):

Mayo Clinic Laboratories, Mayo Clinic
Classification: Likely benign. Last evaluated: 2025-12-11. Review status: criteria provided, single submitter. Criteria: ACMG Guidelines, 2015. Collection method: clinical testing. Allele origin: germline. Observed: 17 variant alleles.
Comment: BP4, BP7

Blueprint Genetics
Classification: Likely benign. Last evaluated: 2024-11-28. Review status: criteria provided, single submitter. Criteria: ACMG Guidelines, 2015. Collection method: clinical testing. Allele origin: germline.

NM_005570.4(LMAN1):c.764-10del

Gene: LMAN1 (lectin, mannose binding 1; minus strand). Cytogenetic location: 18q21.32.
Variant type: Deletion.
Coding change: c.764-10del on transcript NM_005570.4 (MANE Select); 10 bases into the intron before coding-DNA position 764, one base deleted (T; older notation c.764-10delT).
Molecular consequence: intron variant.
Genome position (GRCh38, 1-based): chr18:59,347,581, A deleted on the plus strand (T on the coding strand, the reverse complement: LMAN1 is on the minus strand); the first of 12 consecutive A bases (chr18:59,347,581-59,347,592); deleting any one gives the same sequence. VCF-style (leftmost placement, unchanged base first): chr18-59347580-TA-T. GRCh37 (hg19) VCF-style: chr18-57014812-TA-T.
Other names: p.?.
Identifiers: ClinVar variation 4684289 (VCV004684289.2).